The following is an entry in ClinVar:

NM_000038.6(APC):c.157G>C (p.Gly53Arg)

Gene: APC (APC regulator of Wnt signaling pathway; plus strand). Cytogenetic location: 5q22.2.
Variant type: single nucleotide variant.
Coding change: c.157G>C on transcript NM_000038.6 (MANE Select); coding-DNA position 157, G replaced by C.
Protein change: p.Gly53Arg; replaces glycine 53 with arginine.
Molecular consequence: missense variant. On other transcripts: 5 prime UTR variant (4).
Genome position (GRCh38, 1-based): chr5:112,766,347, G>C. VCF-style: chr5-112766347-G-C. GRCh37 (hg19) VCF-style: chr5-112102044-G-C.
Other names: c.157G>C, p.Gly53Arg (NM_001127510.3, NM_001354895.2, NM_001354896.2 and 16 more transcripts); c.187G>C, p.Gly63Arg (NM_001127511.3, NM_001354897.2, NM_001354902.2 and 1 more transcripts); c.82G>C, p.Gly28Arg (NM_001354898.2, NM_001354904.2, NM_001407451.1); c.-21G>C (NM_001354900.2, NM_001354901.2, NM_001354905.2 and 1 more transcripts); c.-879G>C (NM_001354906.2, NM_001407470.1, NM_001407471.1 and 1 more transcripts); short protein forms G28R, G53R, G63R.
Identifiers: ClinVar variation 2016392 (VCV002016392.4), dbSNP rs1191165645, ClinGen allele CA16021689.

ClinVar aggregate classification (germline): Uncertain significance (1 of 4 stars; one submission).

Conditions:
Familial adenomatous polyposis 1 (FAP1). Also called: FAMILIAL ADENOMATOUS POLYPOSIS 1, ATTENUATED; POLYPOSIS, ADENOMATOUS INTESTINAL. Identifiers: MedGen C2713442, MONDO:0021056, OMIM 175100. Disease mechanism: loss of function.

Submission:

Labcorp Genetics (formerly Invitae), Labcorp
Classification: Uncertain significance for Familial adenomatous polyposis 1. Last evaluated: 2022-07-15. Review status: criteria provided, single submitter. Criteria: Invitae Variant Classification Sherloc (09022015). Collection method: clinical testing. Allele origin: germline.
Comment: This sequence change replaces glycine, which is neutral and non-polar, with arginine, which is basic and polar, at codon 53 of the APC protein (p.Gly53Arg). This variant is not present in population databases (gnomAD no frequency). This variant has not been reported in the literature in individuals affected with APC-related conditions. Algorithms developed to predict the effect of missense changes on protein structure and function are either unavailable or do not agree on the potential impact of this missense change (SIFT: "Deleterious"; PolyPhen-2: "Probably Damaging"; Align-GVGD: "Class C0"). In summary, the available evidence is currently insufficient to determine the role of this variant in disease. Therefore, it has been classified as a Variant of Uncertain Significance.